The following is an entry in ClinVar:

ClinVar aggregate classification (germline): Uncertain significance. Review status: criteria provided, multiple submitters, no conflicts (2 of 4 stars). 3 submissions from 3 submitters: Uncertain significance (3). Last evaluated 2024-09-12.

Conditions:
Mucopolysaccharidosis type 6 (MPS6). Also called: N-ACETYLGALACTOSAMINE-4-SULFATASE DEFICIENCY; MPS VI; MPS 6; Maroteaux Lamy syndrome; ARSB DEFICIENCY; ARYLSULFATASE B DEFICIENCY. Identifiers: Orphanet 583, MedGen C0026709, MONDO:0009661, OMIM 253200.

Submissions (3):

Women's Health and Genetics/Laboratory Corporation of America, LabCorp
Classification: Uncertain significance. Last evaluated: 2024-09-12. Review status: criteria provided, single submitter. Criteria: LabCorp Variant Classification Summary - May 2015. Collection method: clinical testing. Allele origin: germline.
Comment: Variant summary: ARSB c.803G>T (p.Gly268Val) results in a non-conservative amino acid change located in the Sulfatase, N-terminal (IPR000917) of the encoded protein sequence. Five of five in-silico tools predict a damaging effect of the variant on protein function. The variant was absent in 251378 control chromosomes (gnomAD). The available data on variant occurrences in the general population are insufficient to allow any conclusion about variant significance. c.803G>T has been reported in the literature in individuals affected with Mucopolysaccharidosis Type VI (Maroteaux-Lamy Syndrome) without strong evidence of causality (e.g. Karageorgos_2007, Nagpal_2022). These reports do not provide unequivocal conclusions about association of the variant with Mucopolysaccharidosis Type VI (Maroteaux-Lamy Syndrome). To our knowledge, no experimental evidence demonstrating an impact on protein function has been reported. The following publications have been ascertained in the context of this evaluation (PMID: 17458871, 36213247). ClinVar contains an entry for this variant (Variation ID: 559815). Based on the evidence outlined above, the variant was classified as uncertain significance.

Labcorp Genetics (formerly Invitae), Labcorp
Classification: Uncertain significance for Mucopolysaccharidosis type 6. Last evaluated: 2023-07-17. Review status: criteria provided, single submitter. Criteria: Invitae Variant Classification Sherloc (09022015). Collection method: clinical testing. Allele origin: germline.
Comment: In summary, the available evidence is currently insufficient to determine the role of this variant in disease. Therefore, it has been classified as a Variant of Uncertain Significance. Advanced modeling of protein sequence and biophysical properties (such as structural, functional, and spatial information, amino acid conservation, physicochemical variation, residue mobility, and thermodynamic stability) performed at Invitae indicates that this missense variant is expected to disrupt ARSB protein function. ClinVar contains an entry for this variant (Variation ID: 559815). This missense change has been observed in individual(s) with mucopolysaccharidosis type VI (PMID: 17458871). This variant is not present in population databases (gnomAD no frequency). This sequence change replaces glycine, which is neutral and non-polar, with valine, which is neutral and non-polar, at codon 268 of the ARSB protein (p.Gly268Val).

Laboratory of Diagnosis and Therapy of Lysosomal Disorders, University of Padova
Classification: Uncertain significance for Mucopolysaccharidosis type 6. Last evaluated: 2018-01-01. Review status: criteria provided, single submitter. Criteria: ACMG Guidelines, 2015. Collection method: curation. Allele origin: germline. Affected: yes.
Comment: Absent from GnomAD (PM2)

Literature cited by the submitters: PubMed 17458871 (cited by 3 submitters); PubMed 36213247 (cited by Women's Health and Genetics/Laboratory Corporation of America, LabCorp); PubMed 30118150 (cited by Laboratory of Diagnosis and Therapy of Lysosomal Disorders, University of Padova).

NM_000046.5(ARSB):c.803G>T (p.Gly268Val)

Gene: ARSB (arylsulfatase B; minus strand). Cytogenetic location: 5q14.1.
Variant type: single nucleotide variant.
Coding change: c.803G>T on transcript NM_000046.5 (MANE Select); coding-DNA position 803, G replaced by T.
Protein change: p.Gly268Val; replaces glycine 268 with valine.
Molecular consequence: missense variant.
Genome position (GRCh38, 1-based): chr5:78,955,390, C>A on the plus strand (G>T on the coding strand, the complement: ARSB is on the minus strand). VCF-style: chr5-78955390-C-A. GRCh37 (hg19) VCF-style: chr5-78251213-C-A.
Other names: c.803G>T, p.Gly268Val (NM_198709.3); short protein forms G268V.
Identifiers: ClinVar variation 559815 (VCV000559815.7), dbSNP rs1554086400, ClinGen allele CA360192093.
Genomic context (GRCh38, chr5:78,955,390, plus strand): 5'-CCACTGCTTTTTAAAGCTGCAGTGACATTTCCTACTGCTTCATCCATAAGGGACACCATT[C>A]CTGCATAGTGATGCCTGTTCTTGTCTTGGATAAAGTCATATGGCTTCAAGTATTCCTCAG-3'
Protein context (NP_000037.2, residues 258-278): IQDKNRHHYA[Gly268Val]MVSLMDEAVG